The following is an entry in ClinVar:

NM_016222.4(DDX41):c.445C>T (p.Pro149Ser)

Gene: DDX41 (DEAD-box helicase 41; minus strand). Cytogenetic location: 5q35.3.
Variant type: single nucleotide variant.
Coding change: c.445C>T on transcript NM_016222.4 (MANE Select); coding-DNA position 445, C replaced by T.
Protein change: p.Pro149Ser; replaces proline 149 with serine.
Molecular consequence: missense variant.
Genome position (GRCh38, 1-based): chr5:177,515,811, G>A on the plus strand (C>T on the coding strand, the complement: DDX41 is on the minus strand). VCF-style: chr5-177515811-G-A. GRCh37 (hg19) VCF-style: chr5-176942812-G-A.
Other names: c.67C>T, p.Pro23Ser (NM_001321732.2, NM_001321830.2); c.445C>T (NM_016222.2); short protein forms P149S, P23S.
Identifiers: ClinVar variation 3592165 (VCV003592165.3).

ClinVar aggregate classification (germline): Uncertain significance. Review status: criteria provided, multiple submitters, no conflicts (2 of 4 stars). 3 submissions from 3 submitters: Uncertain significance (3). Last evaluated 2025-08-22.

Conditions:
Inborn genetic diseases. Identifiers: MedGen C0950123, MeSH D030342.
DDX41-related hematologic malignancy predisposition syndrome. Also called: DDX41-Associated Familial Myelodysplastic Syndrome and Acute Myeloid Leukemia; Myeloproliferative/lymphoproliferative neoplasms, familial (multiple types), susceptibility to. Identifiers: Orphanet 488647, MedGen C4225174, MONDO:0014809, OMIM 616871.

gnomAD v4.1: 2 of 1,614,202 alleles (0.00012%); highest among the groups gnomAD compares: Middle Eastern, 0.033%; no homozygotes.

Submissions (3):

Labcorp Genetics (formerly Invitae), Labcorp
Classification: Uncertain significance. Last evaluated: 2025-08-22. Review status: criteria provided, single submitter. Criteria: Invitae Variant Classification Sherloc (09022015). Collection method: clinical testing. Allele origin: germline.
Comment: This sequence change replaces proline, which is neutral and non-polar, with serine, which is neutral and polar, at codon 149 of the DDX41 protein (p.Pro149Ser). This variant is not present in population databases (gnomAD no frequency). This variant has not been reported in the literature in individuals affected with DDX41-related conditions. ClinVar contains an entry for this variant (Variation ID: 3592165). An algorithm developed to predict the effect of missense changes on protein structure and function (PolyPhen-2) suggests that this variant is likely to be disruptive. In summary, the available evidence is currently insufficient to determine the role of this variant in disease. Therefore, it has been classified as a Variant of Uncertain Significance.

Ambry Genetics
Classification: Uncertain significance for Inborn genetic diseases. Last evaluated: 2025-08-11. Review status: criteria provided, single submitter. Criteria: Ambry Variant Classification Scheme 2023. Collection method: clinical testing. Allele origin: germline.
Comment: The p.P149S variant (also known as c.445C>T), located in coding exon 6 of the DDX41 gene, results from a C to T substitution at nucleotide position 445. The proline at codon 149 is replaced by serine, an amino acid with similar properties. This amino acid position is conserved. In addition, the in silico prediction for this alteration is inconclusive. Based on the available evidence, the clinical significance of this variant remains unclear.

Fulgent Genetics
Classification: Uncertain significance for DDX41-related hematologic malignancy predisposition syndrome. Last evaluated: 2024-06-19. Review status: criteria provided, single submitter. Criteria: ACMG Guidelines, 2015. Collection method: clinical testing. Allele origin: germline.